The following is an entry in ClinVar:

ClinVar aggregate classification (germline): Benign. Review status: criteria provided, multiple submitters, no conflicts (2 of 4 stars). 4 submissions from 4 submitters: Benign (3). 1 of the submissions does not count toward it. Last evaluated 2020-02-21.

Conditions:
CELSR1-related disorder. Also called: CELSR1-related condition.

Allele frequency attached by ClinVar (database versions not stated): ExAC 0.00747; gnomAD 0.02609 and 0.02428; ESP Exome Variant Server 0.03100; TOPMed 0.02604; gnomAD exomes 0.00594; 1000 Genomes Project 0.02316.
gnomAD v4.1: 7,161 of 1,607,994 alleles (0.45%); highest among the groups gnomAD compares: African/African-American, 8.9%; 280 homozygotes.

Submissions (4):

GeneDx
Classification: Benign. Last evaluated: 2020-02-21. Review status: criteria provided, single submitter. Criteria: GeneDx Variant Classification Process June 2021. Collection method: clinical testing. Allele origin: germline. Affected: yes.
Comment: This variant is associated with the following publications: (PMID: 22095531)

Labcorp Genetics (formerly Invitae), Labcorp
Classification: Benign. Last evaluated: 2019-12-31. Review status: criteria provided, single submitter. Criteria: Invitae Variant Classification Sherloc (09022015). Collection method: clinical testing. Allele origin: germline.

Breakthrough Genomics
Classification: Benign. Review status: criteria provided, single submitter. Criteria: ACMG Guidelines, 2015. Collection method: not provided. Allele origin: germline. Inheritance: Autosomal dominant inheritance. Affected: yes.

PreventionGenetics, part of Exact Sciences
Classification: Benign for CELSR1-related condition. Last evaluated: 2020-01-03. Review status: no assertion criteria provided. Collection method: clinical testing. Allele origin: germline. Not counted in ClinVar's aggregate classification.
Comment: This variant is classified as benign based on ACMG/AMP sequence variant interpretation guidelines (Richards et al. 2015 PMID: 25741868, with internal and published modifications).

NM_001378328.1(CELSR1):c.8891C>T (p.Ser2964Leu)

Gene: CELSR1 (cadherin EGF LAG seven-pass G-type receptor 1; minus strand). Cytogenetic location: 22q13.31.
Variant type: single nucleotide variant.
Coding change: c.8891C>T on transcript NM_001378328.1 (MANE Select); coding-DNA position 8891, C replaced by T.
Protein change: p.Ser2964Leu; replaces serine 2964 with leucine.
Molecular consequence: missense variant.
Genome position (GRCh38, 1-based): chr22:46,364,140, G>A on the plus strand (C>T on the coding strand, the complement: CELSR1 is on the minus strand). VCF-style: chr22-46364140-G-A. GRCh37 (hg19) VCF-style: chr22-46760037-G-A.
Other names: c.8891C>T, p.Ser2964Leu (NM_014246.4); short protein forms S2964L.
Identifiers: ClinVar variation 781530 (VCV000781530.9), dbSNP rs6008777, ClinGen allele CA10292588.